The following is an entry in ClinVar:

ClinVar aggregate classification (germline): Pathogenic (1 of 4 stars; one submission).

Conditions:
Neurofibromatosis, type 1 (NF1). Also called: Neurofibromatosis, type I; VON RECKLINGHAUSEN DISEASE; NEUROFIBROMATOSIS, TYPE I, SOMATIC; Peripheral type neurofibromatosis. Identifiers: Orphanet 636, MedGen C0027831, MONDO:0018975, OMIM 162200. Disease mechanism: loss of function.

Submission:

Labcorp Genetics (formerly Invitae), Labcorp
Classification: Pathogenic for Neurofibromatosis, type 1. Last evaluated: 2022-09-01. Review status: criteria provided, single submitter. Criteria: Invitae Variant Classification Sherloc (09022015). Collection method: clinical testing. Allele origin: germline.
Comment: For these reasons, this variant has been classified as Pathogenic. Studies have shown that disruption of this splice site results in activation of a cryptic splice site and introduces a premature termination codon (Invitae). The resulting mRNA is expected to undergo nonsense-mediated decay. This sequence change affects a splice site in intron 28 of the NF1 gene. RNA analysis indicates that disruption of this splice site induces altered splicing and may result in an absent or disrupted protein product. This variant is not present in population databases (gnomAD no frequency). Disruption of this splice site has been observed in individual(s) with neurofibromatosis type 1 (Invitae). ClinVar contains an entry for this variant (Variation ID: 1476211).

NM_001042492.3(NF1):c.3870+1del

Gene: NF1 (neurofibromin 1; plus strand). Cytogenetic location: 17q11.2.
Variant type: Deletion.
Coding change: c.3870+1del on transcript NM_001042492.3 (MANE Select); the canonical splice donor site of the intron after coding-DNA position 3870, one base deleted (G; older notation c.3870+1delG).
Molecular consequence: splice donor variant.
Genome position (GRCh38, 1-based): chr17:31,235,773, G deleted; the last of 2 consecutive G bases (chr17:31,235,772-31,235,773); deleting either gives the same sequence. VCF-style (leftmost placement, unchanged base first): chr17-31235771-AG-A. GRCh37 (hg19) VCF-style: chr17-29562789-AG-A.
Other names: c.3870+1del (NM_000267.4).
Identifiers: ClinVar variation 1476211 (VCV001476211.6), dbSNP rs2151438079, ClinGen allele CA2573153391.